The following is an entry in ClinVar:

NM_000346.4(SOX9):c.268C>T (p.Pro90Ser)

Genes: SOX9 (SRY-box transcription factor 9; plus strand), LOC108021846 (SOX9 promoter region; plus strand). Cytogenetic location: 17q24.3.
Variant type: single nucleotide variant.
Coding change: c.268C>T on transcript NM_000346.4 (MANE Select); coding-DNA position 268, C replaced by T.
Protein change: p.Pro90Ser; replaces proline 90 with serine.
Molecular consequence: missense variant.
Genome position (GRCh38, 1-based): chr17:72,121,659, C>T. VCF-style: chr17-72121659-C-T. GRCh37 (hg19) VCF-style: chr17-70117800-C-T.
Other names: short protein forms P90S.
Identifiers: ClinVar variation 2748873 (VCV002748873.3), dbSNP rs2143239158, ClinGen allele CA400865893.
Genomic context (GRCh38, chr17:72,121,659, plus strand): 5'-CCCGTGTGCATCCGCGAGGCGGTCAGCCAGGTGCTCAAAGGCTACGACTGGACGCTGGTG[C>T]CCATGCCGGTGCGCGTCAACGGCTCCAGCAAGAACAAGCCGCACGTCAAGCGGCCCATGA-3'
Protein context (NP_000337.1, residues 80-100): VLKGYDWTLV[Pro90Ser]MPVRVNGSSK

ClinVar aggregate classification (germline): Uncertain significance (1 of 4 stars; one submission).

Conditions:
Camptomelic dysplasia (CMPD). Also called: Campomelic Dysplasia; CMPD1/SRA1. Identifiers: Orphanet 140, MedGen C1861922, MONDO:0007251, OMIM 114290.

Submission:

Labcorp Genetics (formerly Invitae), Labcorp
Classification: Uncertain significance for Camptomelic dysplasia. Last evaluated: 2023-07-31. Review status: criteria provided, single submitter. Criteria: Invitae Variant Classification Sherloc (09022015). Collection method: clinical testing. Allele origin: germline.
Comment: This sequence change replaces proline, which is neutral and non-polar, with serine, which is neutral and polar, at codon 90 of the SOX9 protein (p.Pro90Ser). This variant is not present in population databases (gnomAD no frequency). This variant has not been reported in the literature in individuals affected with SOX9-related conditions. Advanced modeling of protein sequence and biophysical properties (such as structural, functional, and spatial information, amino acid conservation, physicochemical variation, residue mobility, and thermodynamic stability) performed at Invitae indicates that this missense variant is expected to disrupt SOX9 protein function. In summary, the available evidence is currently insufficient to determine the role of this variant in disease. Therefore, it has been classified as a Variant of Uncertain Significance.